The following is an entry in ClinVar:

NM_000275.3(OCA2):c.1349C>A (p.Thr450Lys)

Gene: OCA2 (OCA2 melanosomal transmembrane protein; minus strand). Cytogenetic location: 15q13.1.
Variant type: single nucleotide variant.
Coding change: c.1349C>A on transcript NM_000275.3 (MANE Select); coding-DNA position 1349, C replaced by A.
Protein change: p.Thr450Lys; replaces threonine 450 with lysine.
Molecular consequence: missense variant.
Genome position (GRCh38, 1-based): chr15:27,985,079, G>T on the plus strand (C>A on the coding strand, the complement: OCA2 is on the minus strand). VCF-style: chr15-27985079-G-T. GRCh37 (hg19) VCF-style: chr15-28230225-G-T.
Other names: c.1277C>A, p.Thr426Lys (NM_001300984.2); c.1349C>A (NM_000275.2); short protein forms T426K, T450K.
Identifiers: ClinVar variation 2677397 (VCV002677397.8), dbSNP rs772019064, ClinGen allele CA391360517.

ClinVar aggregate classification (germline): Pathogenic/Likely pathogenic. Review status: criteria provided, multiple submitters, no conflicts (2 of 4 stars). 5 submissions from 5 submitters: Pathogenic (2); Likely pathogenic (3). Last evaluated 2024-12-12.

Conditions:
Tyrosinase-positive oculocutaneous albinism (OCA2). Also called: Albinism, oculocutaneous, type II; ALBINISM II; Oculocutaneous albinism type 2. Identifiers: Orphanet 79432, MedGen C0268495, MONDO:0008746, OMIM 203200.
SKIN/HAIR/EYE PIGMENTATION 1, BLUE/NONBLUE EYES (SHEP1). Also called: BROWN EYE COLOR 2; EYE COLOR 3; EYE COLOR, BLUE/NONBLUE; EYE COLOR, BROWN/BLUE; HAIR COLOR 3; SKIN/HAIR/EYE PIGMENTATION 1, BLOND/BROWN HAIR. Identifiers: MedGen C1856895, OMIM 227220.
OCA2-related disorder. Also called: OCA2-related condition.

Submissions (5):

PreventionGenetics, part of Exact Sciences
Classification: Likely pathogenic for OCA2-related condition. Last evaluated: 2024-12-12. Review status: criteria provided, single submitter. Criteria: ACMG Guidelines, 2015. Collection method: clinical testing. Allele origin: germline.
Comment: The OCA2 c.1349C>A variant is predicted to result in the amino acid substitution p.Thr450Lys. This variant has been reported with another OCA2 variant in individuals with oculocutaneous albinism (Wei et al. 2010. PubMed ID: 19865097; Tan et al. 2019. PubMed ID: 31813138). Alternate substitutions of this amino acid residue (p.Thr450Met and p.Thr450Arg) have also been reported in individuals with oculocutaneous albinism (Marti et al. 2017. PubMed ID: 28976636; Qiu et al. 2018. PubMed ID: 29437493). This variant is absent in a large population database (gnomAD), indicating this variant is rare. Given the evidence, we interpret this variant as likely pathogenic.

Blueprint Genetics
Classification: Pathogenic for OCA2-related disorders. Last evaluated: 2024-02-14. Review status: criteria provided, single submitter. Criteria: ACMG Guidelines, 2015. Collection method: clinical testing. Allele origin: germline. Affected: yes. Observed: 2 variant alleles.

Baylor Genetics
Classification: Likely pathogenic for SKIN/HAIR/EYE PIGMENTATION 1, BLUE/NONBLUE EYES. Last evaluated: 2023-10-17. Review status: criteria provided, single submitter. Criteria: ACMG Guidelines, 2015. Collection method: clinical testing. Allele origin: unknown.

Labcorp Genetics (formerly Invitae), Labcorp
Classification: Pathogenic. Last evaluated: 2023-04-11. Review status: criteria provided, single submitter. Criteria: Invitae Variant Classification Sherloc (09022015). Collection method: clinical testing. Allele origin: germline.
Comment: This variant disrupts the p.Thr450 amino acid residue in OCA2. Other variant(s) that disrupt this residue have been determined to be pathogenic (PMID: 26165494, 28976636, 31077556, 31813138). This suggests that this residue is clinically significant, and that variants that disrupt this residue are likely to be disease-causing. For these reasons, this variant has been classified as Pathogenic. Advanced modeling of protein sequence and biophysical properties (such as structural, functional, and spatial information, amino acid conservation, physicochemical variation, residue mobility, and thermodynamic stability) performed at Invitae indicates that this missense variant is expected to disrupt OCA2 protein function. This missense change has been observed in individual(s) with oculocutaneous albinism (PMID: 19865097, 31813138). This variant is not present in population databases (gnomAD no frequency). This sequence change replaces threonine, which is neutral and polar, with lysine, which is basic and polar, at codon 450 of the OCA2 protein (p.Thr450Lys).

Juno Genomics, Hangzhou Juno Genomics, Inc
Classification: Likely pathogenic for SKIN/HAIR/EYE PIGMENTATION 1, BLUE/NONBLUE EYES; Tyrosinase-positive oculocutaneous albinism. Review status: criteria provided, single submitter. Criteria: ACMG Guidelines, 2015. Collection method: clinical testing. Allele origin: germline.
Comment: Absent from controls (or at extremely low frequency if recessive) in Genome Aggregation Database.;Novel missense change at an amino acid residue where a different missense change determined to be pathogenic has been seen before.;Multiple lines of computational evidence support a deleterious effect on the gene or gene product.;For recessive disorders, detected in trans with a pathogenic variant.;Patient's phenotype or family history is highly specific for a disease with a single genetic etiology.

Literature cited by the submitters: PubMed 26165494 (cited by Labcorp Genetics (formerly Invitae), Labcorp); PubMed 28976636 (cited by Labcorp Genetics (formerly Invitae), Labcorp); PubMed 31077556 (cited by Labcorp Genetics (formerly Invitae), Labcorp); PubMed 31813138 (cited by Labcorp Genetics (formerly Invitae), Labcorp); PubMed 19865097 (cited by Labcorp Genetics (formerly Invitae), Labcorp).